The following is an entry in ClinVar:

ClinVar aggregate classification (germline): Uncertain significance (1 of 4 stars; one submission).

gnomAD v4.1: 1 of 1,613,284 alleles (0.000062%); no homozygotes.

Submission:

Labcorp Genetics (formerly Invitae), Labcorp
Classification: Uncertain significance. Last evaluated: 2023-10-05. Review status: criteria provided, single submitter. Criteria: Invitae Variant Classification Sherloc (09022015). Collection method: clinical testing. Allele origin: germline.
Comment: This sequence change replaces asparagine, which is neutral and polar, with aspartic acid, which is acidic and polar, at codon 63 of the SLC25A32 protein (p.Asn63Asp). This variant is not present in population databases (gnomAD no frequency). This variant has not been reported in the literature in individuals affected with SLC25A32-related conditions. Advanced modeling of protein sequence and biophysical properties (such as structural, functional, and spatial information, amino acid conservation, physicochemical variation, residue mobility, and thermodynamic stability) performed at Invitae indicates that this missense variant is not expected to disrupt SLC25A32 protein function. In summary, the available evidence is currently insufficient to determine the role of this variant in disease. Therefore, it has been classified as a Variant of Uncertain Significance.

NM_030780.5(SLC25A32):c.187A>G (p.Asn63Asp)

Gene: SLC25A32 (solute carrier family 25 member 32; minus strand). Cytogenetic location: 8q22.3.
Variant type: single nucleotide variant.
Coding change: c.187A>G on transcript NM_030780.5 (MANE Select); coding-DNA position 187, A replaced by G.
Protein change: p.Asn63Asp; replaces asparagine 63 with aspartic acid.
Molecular consequence: missense variant. On other transcripts: non-coding transcript variant (2).
Genome position (GRCh38, 1-based): chr8:103,407,752, T>C on the plus strand (A>G on the coding strand, the complement: SLC25A32 is on the minus strand). VCF-style: chr8-103407752-T-C. GRCh37 (hg19) VCF-style: chr8-104419980-T-C.
Other names: short protein forms N63D.
Identifiers: ClinVar variation 2956835 (VCV002956835.3), dbSNP rs1182584102, ClinGen allele CA371630458.